The following is an entry in ClinVar:

NM_001754.5(RUNX1):c.737C>A (p.Thr246Lys)

Gene: RUNX1 (RUNX family transcription factor 1; minus strand). Cytogenetic location: 21q22.12.
Variant type: single nucleotide variant.
Coding change: c.737C>A on transcript NM_001754.5 (MANE Select); coding-DNA position 737, C replaced by A.
Protein change: p.Thr246Lys; replaces threonine 246 with lysine.
Molecular consequence: missense variant.
Genome position (GRCh38, 1-based): chr21:34,834,478, G>T on the plus strand (C>A on the coding strand, the complement: RUNX1 is on the minus strand). VCF-style: chr21-34834478-G-T. GRCh37 (hg19) VCF-style: chr21-36206775-G-T.
Other names: NM_001754.5(RUNX1):c.737C>A; p.Thr246Lys; c.656C>A, p.Thr219Lys (NM_001001890.3, NM_001122607.2); c.737C>A (NM_001754.4); short protein forms T219K, T246K.
Identifiers: ClinVar variation 1016211 (VCV001016211.11), dbSNP rs555366994, ClinGen allele CA410206793.

ClinVar aggregate classification (germline): Uncertain significance. Review status: reviewed by expert panel (3 of 4 stars). 3 submissions from 3 submitters: Uncertain significance (1). 2 of the submissions do not count toward it. Last evaluated 2025-01-15.

Conditions:
Inborn genetic diseases. Identifiers: MedGen C0950123, MeSH D030342.
Hereditary thrombocytopenia and hematological cancer predisposition syndrome associated with RUNX1. Also called: Familial thrombocytopenia with propensity to acute myelogenous leukemia; PLATELET DISORDER, ASPIRIN-LIKE; RUNX1 Familial Platelet Disorder with Associated Myeloid Malignancies; Familial Platelet Disorder with Propensity to Acute Myelogenous Leukemia. Identifiers: Orphanet 71290, MedGen C1832388, MeSH C563324, MONDO:0100083, OMIM 601399.
Hereditary thrombocytopenia and hematologic cancer predisposition syndrome. Identifiers: Orphanet 71290, MedGen CN281654, MONDO:0011071.

gnomAD v4.1: 1 of 1,612,982 alleles (0.000062%); highest among the groups gnomAD compares: Non-Finnish European, 0.000085%; no homozygotes.

Submissions (3):

ClinGen Myeloid Malignancy Variant Curation Expert Panel
Classification: Uncertain significance for Hereditary thrombocytopenia and hematologic cancer predisposition syndrome. Last evaluated: 2025-01-15. Review status: reviewed by expert panel. Criteria: ClinGen MyeloMalig ACMG Specifications v2. Collection method: curation. Allele origin: germline. Inheritance: Autosomal dominant inheritance.
Comment: NM_001754.5(RUNX1):c.737C>A (p.Thr246Lys) is a missense variant which has not been featured in functional or case studies. Computational and population data have been used to evaluate this variant. It is detected in the gnomAD population database (1/1179366 alleles in the European (Non-Finnish) v4 cohort). This variant has a SpliceAI score of 0.01 and a PhyloP score of 7.8, supporting the application of BP4. In summary, this variant meets criteria to be classified as a variant of uncertain significance (VUS). ACMG/AMP criteria applied, as specified by the Myeloid Malignancy Variant Curation Expert Panel for RUNX1: BP4.

Ambry Genetics
Classification: Uncertain significance for Inborn genetic diseases. Last evaluated: 2025-03-12. Review status: criteria provided, single submitter. Criteria: Ambry Variant Classification Scheme 2023. Collection method: clinical testing. Allele origin: germline. Not counted in ClinVar's aggregate classification.
Comment: The p.T246K variant (also known as c.737C>A), located in coding exon 6 of the RUNX1 gene, results from a C to A substitution at nucleotide position 737. The threonine at codon 246 is replaced by lysine, an amino acid with similar properties. This amino acid position is well conserved in available vertebrate species. In addition, the in silico prediction for this alteration is inconclusive. Based on the available evidence, the clinical significance of this variant remains unclear.

Labcorp Genetics (formerly Invitae), Labcorp
Classification: Uncertain significance for Hereditary thrombocytopenia and hematological cancer predisposition syndrome associated with RUNX1. Last evaluated: 2023-09-06. Review status: criteria provided, single submitter. Criteria: Invitae Variant Classification Sherloc (09022015). Collection method: clinical testing. Allele origin: germline. Not counted in ClinVar's aggregate classification.
Comment: Advanced modeling of protein sequence and biophysical properties (such as structural, functional, and spatial information, amino acid conservation, physicochemical variation, residue mobility, and thermodynamic stability) performed at Invitae indicates that this missense variant is not expected to disrupt RUNX1 protein function. In summary, the available evidence is currently insufficient to determine the role of this variant in disease. Therefore, it has been classified as a Variant of Uncertain Significance. ClinVar contains an entry for this variant (Variation ID: 1016211). This variant has not been reported in the literature in individuals affected with RUNX1-related conditions. This variant is not present in population databases (gnomAD no frequency). This sequence change replaces threonine, which is neutral and polar, with lysine, which is basic and polar, at codon 246 of the RUNX1 protein (p.Thr246Lys).